The following is an entry in ClinVar:

NM_001083116.3(PRF1):c.1207A>G (p.Thr403Ala)

Gene: PRF1 (perforin 1; minus strand). Cytogenetic location: 10q22.1.
Variant type: single nucleotide variant.
Coding change: c.1207A>G on transcript NM_001083116.3 (MANE Select); coding-DNA position 1207, A replaced by G.
Protein change: p.Thr403Ala; replaces threonine 403 with alanine.
Molecular consequence: missense variant.
Genome position (GRCh38, 1-based): chr10:70,598,514, T>C on the plus strand (A>G on the coding strand, the complement: PRF1 is on the minus strand). VCF-style: chr10-70598514-T-C. GRCh37 (hg19) VCF-style: chr10-72358270-T-C.
Other names: c.1207A>G, p.Thr403Ala (NM_005041.6); short protein forms T403A.
Identifiers: ClinVar variation 536219 (VCV000536219.7), dbSNP rs371232368, ClinGen allele CA209366943.
Genomic context (GRCh38, chr10:70,598,514, plus strand): 5'-GGATGAAGGTCACCTCCAGCTGGGCCAGGCCCCTCTGCCGAGGGCAGCAGTCCTGGGTGG[T>C]GACCGCTGAGCCATGGCACACACACTGGCATGGGTCTCGGGGGCTCTTCTGCCGCCCTGG-3'
Protein context (NP_001076585.1, residues 393-413): CQCVCHGSAV[Thr403Ala]TQDCCPRQRG

ClinVar aggregate classification (germline): Uncertain significance. Review status: criteria provided, multiple submitters, no conflicts (2 of 4 stars). 2 submissions from 2 submitters: Uncertain significance (2). Last evaluated 2024-05-06.

Conditions:
Familial hemophagocytic lymphohistiocytosis 2 (FHL2). Also called: PRF1-Related Familial Hemophagocytic Lymphohistiocytosis (PRF1-fHLH). Identifiers: Orphanet 540, MedGen C1863727, MONDO:0011337, OMIM 603553.
Inborn genetic diseases. Identifiers: MedGen C0950123, MeSH D030342.

Allele frequency attached by ClinVar (database versions not stated): gnomAD exomes 0.00001; gnomAD 0.00006; ESP Exome Variant Server 0.00008; TOPMed 0.00008; 1000 Genomes Project 30x 0.00016; 1000 Genomes Project 0.00020.
gnomAD v4.1: 12 of 1,613,212 alleles (0.00074%); highest among the groups gnomAD compares: African/African-American, 0.016%; no homozygotes.

Submissions (2):

Ambry Genetics
Classification: Uncertain significance for Inborn genetic diseases. Last evaluated: 2024-05-06. Review status: criteria provided, single submitter. Criteria: Ambry Variant Classification Scheme 2023. Collection method: clinical testing. Allele origin: germline.

Labcorp Genetics (formerly Invitae), Labcorp
Classification: Uncertain significance for Familial hemophagocytic lymphohistiocytosis 2. Last evaluated: 2022-04-07. Review status: criteria provided, single submitter. Criteria: Invitae Variant Classification Sherloc (09022015). Collection method: clinical testing. Allele origin: germline.
Comment: This sequence change replaces threonine, which is neutral and polar, with alanine, which is neutral and non-polar, at codon 403 of the PRF1 protein (p.Thr403Ala). This variant is present in population databases (rs371232368, gnomAD 0.01%). This variant has not been reported in the literature in individuals affected with PRF1-related conditions. ClinVar contains an entry for this variant (Variation ID: 536219). Algorithms developed to predict the effect of missense changes on protein structure and function (SIFT, PolyPhen-2, Align-GVGD) all suggest that this variant is likely to be tolerated. In summary, the available evidence is currently insufficient to determine the role of this variant in disease. Therefore, it has been classified as a Variant of Uncertain Significance.